The following is an entry in ClinVar:

NM_001384732.1(CPLANE1):c.4190-1G>A

Gene: CPLANE1 (ciliogenesis and planar polarity effector complex subunit 1; minus strand). Cytogenetic location: 5p13.2.
Variant type: single nucleotide variant.
Coding change: c.4190-1G>A on transcript NM_001384732.1 (MANE Select); the canonical splice acceptor site of the intron before coding-DNA position 4190, G replaced by A.
Molecular consequence: splice acceptor variant.
Genome position (GRCh38, 1-based): chr5:37,185,080, C>T on the plus strand (G>A on the coding strand, the complement: CPLANE1 is on the minus strand). VCF-style: chr5-37185080-C-T. GRCh37 (hg19) VCF-style: chr5-37185182-C-T.
Other names: c.4190-1G>A (NM_023073.4).
Identifiers: ClinVar variation 4886600 (VCV004886600.2).

ClinVar aggregate classification (germline): Likely pathogenic (1 of 4 stars; one submission).

Submission:

Dasa
Classification: Likely pathogenic. Last evaluated: 2025-12-11. Review status: criteria provided, single submitter. Criteria: DASA Assertion Criteria. Collection method: clinical testing. Allele origin: germline.
Comment: NM_001384732.1(CPLANE1):c.4190-1G>A affects a canonical splice site and is predicted to disrupt normal RNA splicing. Loss of function is an established disease mechanism for CPLANE1-associated disorders. Also, this variant is rare in population databases. Based on the currently available evidence, this variant is classified as likely pathogenic.